The following is an entry in ClinVar:

NM_014806.5(RUSC2):c.2642C>G (p.Thr881Ser)

Gene: RUSC2 (RUN and SH3 domain containing 2; plus strand). Cytogenetic location: 9p13.3.
Variant type: single nucleotide variant.
Coding change: c.2642C>G on transcript NM_014806.5 (MANE Select); coding-DNA position 2642, C replaced by G.
Protein change: p.Thr881Ser; replaces threonine 881 with serine.
Molecular consequence: missense variant. On other transcripts: non-coding transcript variant (1).
Genome position (GRCh38, 1-based): chr9:35,555,687, C>G. VCF-style: chr9-35555687-C-G. GRCh37 (hg19) VCF-style: chr9-35555684-C-G.
Other names: c.2642C>G, p.Thr881Ser (NM_001135999.2); c.8C>G, p.Thr3Ser (NM_001330740.2); c.2642C>G (NM_001135999.1); short protein forms T881S, T3S.
Identifiers: ClinVar variation 1430935 (VCV001430935.4), dbSNP rs200605865, ClinGen allele CA5043911.

ClinVar aggregate classification (germline): Conflicting classifications of pathogenicity. Review status: criteria provided, conflicting classifications (1 of 4 stars). 2 submissions from 2 submitters: Uncertain significance (1); Likely benign (1). Last evaluated 2025-09-01.

Allele frequency attached by ClinVar (database versions not stated): gnomAD 0.00003 and 0.00005; TOPMed 0.00004; 1000 Genomes Project 30x 0.00047; 1000 Genomes Project 0.00060.

Submissions (2):

Ambry Genetics
Classification: Likely benign. Last evaluated: 2025-09-01. Review status: criteria provided, single submitter. Criteria: Ambry Variant Classification Scheme 2023. Collection method: clinical testing. Allele origin: germline.

Labcorp Genetics (formerly Invitae), Labcorp
Classification: Uncertain significance. Last evaluated: 2022-07-22. Review status: criteria provided, single submitter. Criteria: Invitae Variant Classification Sherloc (09022015). Collection method: clinical testing. Allele origin: germline.
Comment: This sequence change replaces threonine, which is neutral and polar, with serine, which is neutral and polar, at codon 881 of the RUSC2 protein (p.Thr881Ser). This variant is present in population databases (rs200605865, gnomAD 0.07%). This variant has not been reported in the literature in individuals affected with RUSC2-related conditions. ClinVar contains an entry for this variant (Variation ID: 1430935). Algorithms developed to predict the effect of missense changes on protein structure and function output the following: SIFT: "Tolerated"; PolyPhen-2: "Benign"; Align-GVGD: "Class C0". The serine amino acid residue is found in multiple mammalian species, which suggests that this missense change does not adversely affect protein function. In summary, the available evidence is currently insufficient to determine the role of this variant in disease. Therefore, it has been classified as a Variant of Uncertain Significance.